The following is an entry in ClinVar:

ClinVar aggregate classification (germline): Likely pathogenic (1 of 4 stars; one submission).

Submission:

GeneDx
Classification: Likely pathogenic. Last evaluated: 2025-06-26. Review status: criteria provided, single submitter. Criteria: GeneDx Variant Classification Process June 2021. Collection method: clinical testing. Allele origin: germline. Affected: yes.
Comment: Canonical splice site variant predicted to result in a null allele in a gene for which loss of function is a known mechanism of disease; Not observed at significant frequency in large population cohorts (gnomAD); Has not been previously published as pathogenic or benign to our knowledge

NM_001379500.1(COL18A1):c.2620+1G>C

Gene: COL18A1 (collagen type XVIII alpha 1 chain; plus strand). Cytogenetic location: 21q22.3.
Variant type: single nucleotide variant.
Coding change: c.2620+1G>C on transcript NM_001379500.1 (MANE Select); the canonical splice donor site of the intron after coding-DNA position 2620, G replaced by C.
Molecular consequence: splice donor variant.
Genome position (GRCh38, 1-based): chr21:45,497,093, G>C. VCF-style: chr21-45497093-G-C. GRCh37 (hg19) VCF-style: chr21-46917007-G-C.
Other names: c.3865+1G>C (NM_130444.3); c.3160+1G>C (NM_030582.4).
Identifiers: ClinVar variation 4540292 (VCV004540292.1).
Genomic context (GRCh38, chr21:45,497,093, plus strand): 5'-CTCCCCGTTCCTTGCAGGTGTTTGCTGAGTCCAGCCGCCCCGGGCCTCCAGGATTGCCAG[G>C]TGAGGGTCCTGGGCTCACAGCTGGGGACACAGGCTCTGAAGGGATGCTCCAGAGCCCCAC-3'